The following is an entry in ClinVar:

ClinVar aggregate classification (germline): Uncertain significance. Review status: criteria provided, multiple submitters, no conflicts (2 of 4 stars). 2 submissions from 2 submitters: Uncertain significance (2). Last evaluated 2025-03-18.

Conditions:
Hereditary sensory and autonomic neuropathy type 1 (HSAN1). Also called: HSAN 1; HSN Type I; Hereditary Sensory Neuropathy Type I. Identifiers: Orphanet 36386, MedGen C0020071, MONDO:0018213.

Allele frequency attached by ClinVar (database versions not stated): TOPMed 0.00001; gnomAD exomes 0.00001; gnomAD 0.00001; ExAC 0.00001.
gnomAD v4.1: 5 of 1,613,934 alleles (0.00031%); highest among the groups gnomAD compares: Non-Finnish European, 0.00042%; no homozygotes.

Submissions (2):

GeneDx
Classification: Uncertain significance. Last evaluated: 2025-03-18. Review status: criteria provided, single submitter. Criteria: GeneDx Variant Classification Process June 2021. Collection method: clinical testing. Allele origin: germline.
Comment: Not observed at significant frequency in large population cohorts (gnomAD); In silico analysis supports that this missense variant has a deleterious effect on protein structure/function; Has not been previously published as pathogenic or benign to our knowledge

Labcorp Genetics (formerly Invitae), Labcorp
Classification: Uncertain significance for Hereditary sensory and autonomic neuropathy type 1. Last evaluated: 2024-10-02. Review status: criteria provided, single submitter. Criteria: Invitae Variant Classification Sherloc (09022015). Collection method: clinical testing. Allele origin: germline.
Comment: This sequence change replaces serine, which is neutral and polar, with alanine, which is neutral and non-polar, at codon 278 of the SPTLC1 protein (p.Ser278Ala). This variant is present in population databases (rs750037760, gnomAD 0.003%). This variant has not been reported in the literature in individuals affected with SPTLC1-related conditions. Invitae Evidence Modeling of protein sequence and biophysical properties (such as structural, functional, and spatial information, amino acid conservation, physicochemical variation, residue mobility, and thermodynamic stability) indicates that this missense variant is not expected to disrupt SPTLC1 protein function with a negative predictive value of 80%. In summary, the available evidence is currently insufficient to determine the role of this variant in disease. Therefore, it has been classified as a Variant of Uncertain Significance.

NM_006415.4(SPTLC1):c.832T>G (p.Ser278Ala)

Gene: SPTLC1 (serine palmitoyltransferase long chain base subunit 1; minus strand). Cytogenetic location: 9q22.31.
Variant type: single nucleotide variant.
Coding change: c.832T>G on transcript NM_006415.4 (MANE Select); coding-DNA position 832, T replaced by G.
Protein change: p.Ser278Ala; replaces serine 278 with alanine.
Molecular consequence: missense variant.
Genome position (GRCh38, 1-based): chr9:92,050,016, A>C on the plus strand (T>G on the coding strand, the complement: SPTLC1 is on the minus strand). VCF-style: chr9-92050016-A-C. GRCh37 (hg19) VCF-style: chr9-94812298-A-C.
Other names: c.832T>G, p.Ser278Ala (NM_001281303.2); c.466T>G, p.Ser156Ala (NM_001368272.1); c.367T>G, p.Ser123Ala (NM_001368273.1); short protein forms S156A, S278A, S123A.
Identifiers: ClinVar variation 2917434 (VCV002917434.5), dbSNP rs750037760, ClinGen allele CA5121415.
Genomic context (GRCh38, chr9:92,050,016, plus strand): 5'-TTACATTGATTCCATAGTGTTCAGTGACTCCTCGGCCATGCTCTCCTAGGACTCCAAATG[A>C]AAGGCTTTCCTCCAGGAAGATTCTTGCTTTGTATTTGTATTTTAACTTAACCTAAGTGTT-3'
Protein context (NP_006406.1, residues 268-288): KARIFLEESL[Ser278Ala]FGVLGEHGRG